The following is an entry in ClinVar:

ClinVar aggregate classification (germline): Uncertain significance. Review status: criteria provided, multiple submitters, no conflicts (2 of 4 stars). 2 submissions from 2 submitters: Uncertain significance (2). Last evaluated 2025-12-01.

Conditions:
PLEC-related disorder. Also called: PLEC-related condition; PLEC-related disorders.

Allele frequency attached by ClinVar (database versions not stated): gnomAD 0.00011; 1000 Genomes Project 30x 0.00031; TOPMed 0.00023; 1000 Genomes Project 0.00020; gnomAD exomes 0.00024; ExAC 0.00023.
gnomAD v4.1: 367 of 1,602,060 alleles (0.023%); highest among the groups gnomAD compares: Admixed American, 0.043%; no homozygotes.

Submissions (2):

PreventionGenetics, part of Exact Sciences
Classification: Uncertain significance for PLEC-related condition. Last evaluated: 2025-12-01. Review status: criteria provided, single submitter. Criteria: ACMG Guidelines, 2015. Collection method: clinical testing. Allele origin: germline.
Comment: The PLEC c.82A>C variant is predicted to result in the amino acid substitution p.Lys28Gln. To our knowledge, this variant has not been reported in the literature. This variant is reported in 0.035% of alleles in individuals of Latino descent in gnomAD. At this time, the clinical significance of this variant is uncertain due to the absence of conclusive functional and genetic evidence.

Athena Diagnostics
Classification: Uncertain significance. Last evaluated: 2021-11-22. Review status: criteria provided, single submitter. Criteria: Athena Diagnostics Criteria. Collection method: clinical testing. Allele origin: unknown.

NM_201378.4(PLEC):c.71-11933A>C

Gene: PLEC (plectin; minus strand). Cytogenetic location: 8q24.3.
Variant type: single nucleotide variant.
Coding change: c.71-11933A>C on transcript NM_201378.4 (MANE Plus Clinical); 11933 bases into the intron before coding-DNA position 71, A replaced by C.
Molecular consequence: intron variant. On other transcripts: missense variant (1).
Genome position (GRCh38, 1-based): chr8:143,950,625, T>G on the plus strand (A>C on the coding strand, the complement: PLEC is on the minus strand). VCF-style: chr8-143950625-T-G. GRCh37 (hg19) VCF-style: chr8-145024793-T-G.
Other names: c.82A>C, p.Lys28Gln (NM_201380.4); c.194-11933A>C (NM_001410941.1, NM_000445.5); c.46+3101A>C (NM_201379.3); short protein forms K28Q.
Identifiers: ClinVar variation 1807232 (VCV001807232.2), dbSNP rs577947079, ClinGen allele CA4929029.